The following is an entry in ClinVar:

NM_000051.4(ATM):c.8248_8268del (p.Leu2750_Lys2756del)

Genes: C11orf65 (chromosome 11 open reading frame 65; minus strand), ATM (ATM serine/threonine kinase; plus strand). Cytogenetic location: 11q22.3.
Variant type: Deletion.
Coding change: c.8248_8268del on transcript NM_000051.4 (MANE Select); coding-DNA positions 8248 to 8268, 21 bases deleted (TTAACTATCTGTACTTATAAG).
Protein change: p.Leu2750_Lys2756del.
Molecular consequence: inframe deletion. On other transcripts: inframe indel (2), intron variant (2).
Genome position (GRCh38, 1-based): chr11:108,335,941-108,335,961, TTAACTATCTGTACTTATAAG deleted. VCF-style (leftmost placement, unchanged base first): chr11-108335940-ATTAACTATCTGTACTTATAAG-A. GRCh37 (hg19) VCF-style: chr11-108206667-ATTAACTATCTGTACTTATAAG-A.
Other names: c.8248_8268delTTAACTATCTGTACTTATAAG (NM_000051.3); c.8248_8268del, p.Leu2750_Lys2756del (NM_001351834.2); c.641-26890_641-26870del (NM_001330368.2); c.695-669_695-649del (NM_001351110.2); c.8248_8268del (NM_000051.3).
Identifiers: ClinVar variation 422777 (VCV000422777.15), dbSNP rs771146489, ClinGen allele CA6266324.

ClinVar aggregate classification (germline): Conflicting classifications of pathogenicity. Review status: criteria provided, conflicting classifications (1 of 4 stars). 4 submissions from 4 submitters: Likely pathogenic (2); Uncertain significance (2). Last evaluated 2026-07-20.

Conditions:
Hereditary cancer-predisposing syndrome. Also called: Neoplastic Syndromes, Hereditary; Hereditary Cancer Syndrome; Tumor predisposition; Hereditary neoplastic syndrome. Identifiers: Orphanet 140162, MedGen C0027672, MeSH D009386, MONDO:0015356.
Familial cancer of breast. Also called: Hereditary breast cancer; BREAST CANCER, FAMILIAL; hereditary breast carcinoma. Identifiers: Orphanet 227535, MedGen C0346153, MONDO:0016419, OMIM 114480. Disease mechanism: loss of function.
Ataxia-telangiectasia syndrome (AT). Also called: LOUIS-BAR SYNDROME; Cerebello-oculocutaneous telangiectasia; Immunodeficiency with ataxia telangiectasia; Ataxia-telangiectasia, complementation group D; AT, COMPLEMENTATION GROUP C; Ataxia-telangiectasia, complementation group E. Identifiers: Orphanet 100, MedGen C0004135, MONDO:0008840, OMIM 208900.

Allele frequency attached by ClinVar (database versions not stated): ExAC 0.00001; gnomAD exomes below 0.00001.

Submissions (4):

Ambry Genetics
Classification: Likely pathogenic for Hereditary cancer-predisposing syndrome. Last evaluated: 2026-07-20. Review status: criteria provided, single submitter. Criteria: Ambry Variant Classification Scheme 2023. Collection method: clinical testing. Allele origin: germline.
Comment: The c.8248_8268del21 variant (also known as p.L2750_K2756del) is located in coding exon 55 of the ATM gene. This variant results from an in-frame TTAACTATCTGTACTTATAAG deletion at nucleotide positions 8248 to 8268. This leads to the in-frame deletion of seven residues (LTICTYK) from codon 2750 to codon 2756. This nucleotide region is well conserved in available vertebrate species. This deletion includes the last base pair of coding exon 55, which makes it likely to have some effect on normal mRNA splicing. In silico splice site analysis predicts that this alteration will weaken the native splice donor site.. RNA studies have demonstrated that this alteration results in an abnormal splicing in the set of samples tested (Ambry internal data). Based on the majority of available evidence to date, this variant is likely to be pathogenic.

Labcorp Genetics (formerly Invitae), Labcorp
Classification: Uncertain significance for Ataxia-telangiectasia syndrome. Last evaluated: 2024-05-20. Review status: criteria provided, single submitter. Criteria: Invitae Variant Classification Sherloc (09022015). Collection method: clinical testing. Allele origin: germline.
Comment: This variant, c.8248_8268del, results in the deletion of 7 amino acid(s) of the ATM protein (p.Leu2750_Lys2756del), but otherwise preserves the integrity of the reading frame. This variant is present in population databases (rs771146489, gnomAD no frequency). This variant has not been reported in the literature in individuals affected with ATM-related conditions. ClinVar contains an entry for this variant (Variation ID: 422777). Experimental studies and prediction algorithms are not available or were not evaluated, and the functional significance of this variant is currently unknown. In summary, the available evidence is currently insufficient to determine the role of this variant in disease. Therefore, it has been classified as a Variant of Uncertain Significance.

Myriad Genetics, Inc.
Classification: Likely pathogenic for Familial cancer of breast. Last evaluated: 2024-02-02. Review status: criteria provided, single submitter. Criteria: Myriad Autosomal Dominant, Autosomal Recessive and X-Linked Classification Criteria (2023). Collection method: clinical testing. Allele origin: unknown.
Comment: This variant is considered likely pathogenic. mRNA analysis has demonstrated abnormal mRNA splicing occurs [Myriad internal data].

GeneDx
Classification: Uncertain significance. Last evaluated: 2016-11-29. Review status: criteria provided, single submitter. Criteria: GeneDx Variant Classification (06012015). Collection method: clinical testing. Allele origin: germline. Affected: yes.
Comment: This in-frame deletion of 21 nucleotides in ATM is denoted c.8248_8268del21 at the cDNA level and p.Leu2750_Lys2756del (L2750_K2756del) at the protein level. The normal sequence, with the bases that are deleted in brackets, is GAAA[del21]gtaa. This variant has not, to our knowledge, been published in the literature as pathogenic or benign. ATM Leu2750_Lys2756del was not observed in approximately 6,500 individuals of European and African American ancestry in the NHLBI Exome Sequencing Project, suggesting it is not a common benign variant in these populations. The deleted residues are either conserved, conserved by class, or conserved through mammals, and are located in the kinase domain (Stracker 2013). Multiple splicing models predict that this variant may destroy the natural splice donor site for intron 56 and lead to abnormal splicing. However, in the absence of RNA or functional studies, the actual effect of this variant is unknown. Since in-frame deletions may or may not inhibit proper protein functioning, the clinical significance of this finding remains unclear at this time and we consider ATM Leu2750_Lys2756del to be a variant of uncertain significance.